The following is an entry in ClinVar:

NM_182914.3(SYNE2):c.5490T>A (p.Ser1830Arg)

Gene: SYNE2 (spectrin repeat containing nuclear envelope protein 2; plus strand). Cytogenetic location: 14q23.2.
Variant type: single nucleotide variant.
Coding change: c.5490T>A on transcript NM_182914.3 (MANE Select); coding-DNA position 5490, T replaced by A.
Protein change: p.Ser1830Arg; replaces serine 1830 with arginine.
Molecular consequence: missense variant.
Genome position (GRCh38, 1-based): chr14:64,021,994, T>A. VCF-style: chr14-64021994-T-A. GRCh37 (hg19) VCF-style: chr14-64488712-T-A.
Other names: c.5490T>A, p.Ser1830Arg (NM_015180.6); short protein forms S1830R.
Identifiers: ClinVar variation 3669767 (VCV003669767.2).

ClinVar aggregate classification (germline): Uncertain significance (1 of 4 stars; one submission).

Conditions:
Emery-Dreifuss muscular dystrophy 5, autosomal dominant (EDMD5). Also called: EMERY-DREIFUSS MUSCULAR DYSTROPHY 5. Identifiers: Orphanet 261, MedGen C2751805, MONDO:0013072, OMIM 612999.

Submission:

Labcorp Genetics (formerly Invitae), Labcorp
Classification: Uncertain significance for Emery-Dreifuss muscular dystrophy 5, autosomal dominant. Last evaluated: 2025-12-24. Review status: criteria provided, single submitter. Criteria: Invitae Variant Classification Sherloc (09022015). Collection method: clinical testing. Allele origin: germline.
Comment: This sequence change replaces serine, which is neutral and polar, with arginine, which is basic and polar, at codon 1830 of the SYNE2 protein (p.Ser1830Arg). This variant is not present in population databases (gnomAD no frequency). This variant has not been reported in the literature in individuals affected with SYNE2-related conditions. ClinVar contains an entry for this variant (Variation ID: 3669767). An algorithm developed to predict the effect of missense changes on protein structure and function outputs the following: PolyPhen-2: "Probably Damaging". The arginine amino acid residue is found in multiple mammalian species, which suggests that this missense change does not adversely affect protein function. In summary, the available evidence is currently insufficient to determine the role of this variant in disease. Therefore, it has been classified as a Variant of Uncertain Significance.